The following is an entry in ClinVar:

NM_000302.4(PLOD1):c.1470+5G>A

Gene: PLOD1 (procollagen-lysine,2-oxoglutarate 5-dioxygenase 1; plus strand). Cytogenetic location: 1p36.22.
Variant type: single nucleotide variant.
Coding change: c.1470+5G>A on transcript NM_000302.4 (MANE Select); 5 bases into the intron after coding-DNA position 1470, G replaced by A.
Molecular consequence: intron variant.
Genome position (GRCh38, 1-based): chr1:11,964,790, G>A. VCF-style: chr1-11964790-G-A. GRCh37 (hg19) VCF-style: chr1-12024847-G-A.
Other names: c.1611+5G>A (NM_001316320.2).
Identifiers: ClinVar variation 529343 (VCV000529343.7), dbSNP rs1553136223, ClinGen allele CA658795394.

ClinVar aggregate classification (germline): Uncertain significance (1 of 4 stars; one submission).

Conditions:
Ehlers-Danlos syndrome, kyphoscoliotic type 1 (EDSKSCL1). Also called: EHLERS-DANLOS SYNDROME, TYPE VIA; PLOD1-Related Kyphoscoliotic Ehlers-Danlos Syndrome; Ehlers-Danlos syndrome, hydroxylysine-deficient; EHLERS-DANLOS SYNDROME, OCULAR-SCOLIOTIC TYPE. Identifiers: Orphanet 1900, MedGen C0268342, MONDO:0016002, OMIM 225400. Disease mechanism: loss of function.

Submission:

Labcorp Genetics (formerly Invitae), Labcorp
Classification: Uncertain significance for Ehlers-Danlos syndrome, kyphoscoliotic type 1. Last evaluated: 2017-11-03. Review status: criteria provided, single submitter. Criteria: Invitae Variant Classification Sherloc (09022015). Collection method: clinical testing. Allele origin: germline.
Comment: In summary, the available evidence is currently insufficient to determine the role of this variant in disease. Therefore, it has been classified as a Variant of Uncertain Significance. Nucleotide substitutions within the consensus splice site are a relatively common cause of aberrant splicing (PMID: 17576681, 9536098). Algorithms developed to predict the effect of sequence changes on RNA splicing suggest that this variant may disrupt the consensus splice site, but this prediction has not been confirmed by published transcriptional studies. This variant has not been reported in the literature in individuals with PLOD1-related disease. This variant is not present in population databases (ExAC no frequency). This sequence change falls in intron 13 of the PLOD1 gene. It does not directly change the encoded amino acid sequence of the PLOD1 protein, but it affects a nucleotide within the consensus splice site of the intron.

Literature cited by the submitters: PubMed 17576681; PubMed 9536098.